The following is an entry in ClinVar:

NM_005732.4(RAD50):c.797T>A (p.Met266Lys)

Gene: RAD50 (RAD50 double strand break repair protein; plus strand). Cytogenetic location: 5q31.1.
Variant type: single nucleotide variant.
Coding change: c.797T>A on transcript NM_005732.4 (MANE Select); coding-DNA position 797, T replaced by A.
Protein change: p.Met266Lys; replaces methionine 266 with lysine.
Molecular consequence: missense variant.
Genome position (GRCh38, 1-based): chr5:132,587,602, T>A. VCF-style: chr5-132587602-T-A. GRCh37 (hg19) VCF-style: chr5-131923294-T-A.
Other names: c.797T>A (NM_005732.3); short protein forms M266K.
Identifiers: ClinVar variation 1515958 (VCV001515958.7), dbSNP rs2149840420, ClinGen allele CA360940132.

ClinVar aggregate classification (germline): Uncertain significance. Review status: criteria provided, multiple submitters, no conflicts (2 of 4 stars). 2 submissions from 2 submitters: Uncertain significance (2). Last evaluated 2024-09-30.

Conditions:
Hereditary cancer-predisposing syndrome. Also called: Tumor predisposition; Neoplastic Syndromes, Hereditary; Hereditary neoplastic syndrome; Hereditary Cancer Syndrome. Identifiers: Orphanet 140162, MedGen C0027672, MeSH D009386, MONDO:0015356.

Submissions (2):

Ambry Genetics
Classification: Uncertain significance for Hereditary cancer-predisposing syndrome. Last evaluated: 2024-09-30. Review status: criteria provided, single submitter. Criteria: Ambry Variant Classification Scheme 2023. Collection method: clinical testing. Allele origin: germline.
Comment: The p.M266K variant (also known as c.797T>A), located in coding exon 6 of the RAD50 gene, results from a T to A substitution at nucleotide position 797. The methionine at codon 266 is replaced by lysine, an amino acid with similar properties. This amino acid position is conserved. In addition, this alteration is predicted to be tolerated by in silico analysis. Based on the available evidence, the clinical significance of this variant remains unclear.

Labcorp Genetics (formerly Invitae), Labcorp
Classification: Uncertain significance for Hereditary cancer-predisposing syndrome. Last evaluated: 2021-08-28. Review status: criteria provided, single submitter. Criteria: Invitae Variant Classification Sherloc (09022015). Collection method: clinical testing. Allele origin: germline.
Comment: This sequence change replaces methionine with lysine at codon 266 of the RAD50 protein (p.Met266Lys). The methionine residue is moderately conserved and there is a moderate physicochemical difference between methionine and lysine. This variant is not present in population databases (ExAC no frequency). This variant has not been reported in the literature in individuals affected with RAD50-related conditions. Algorithms developed to predict the effect of missense changes on protein structure and function (SIFT, PolyPhen-2, Align-GVGD) all suggest that this variant is likely to be tolerated. Algorithms developed to predict the effect of sequence changes on RNA splicing suggest that this variant may create or strengthen a splice site. In summary, the available evidence is currently insufficient to determine the role of this variant in disease. Therefore, it has been classified as a Variant of Uncertain Significance.